The following is an entry in ClinVar:

ClinVar aggregate classification (germline): Uncertain significance. Review status: criteria provided, multiple submitters, no conflicts (2 of 4 stars). 2 submissions from 2 submitters: Uncertain significance (2). Last evaluated 2025-07-15.

Conditions:
Inborn genetic diseases. Identifiers: MedGen C0950123, MeSH D030342.

Allele frequency attached by ClinVar (database versions not stated): gnomAD 0.00003; TOPMed 0.00004; gnomAD exomes 0.00005; ESP Exome Variant Server 0.00008.

Submissions (2):

Ambry Genetics
Classification: Uncertain significance for Inborn genetic diseases. Last evaluated: 2025-07-15. Review status: criteria provided, single submitter. Criteria: Ambry Variant Classification Scheme 2023. Collection method: clinical testing. Allele origin: germline.

Labcorp Genetics (formerly Invitae), Labcorp
Classification: Uncertain significance. Last evaluated: 2023-11-24. Review status: criteria provided, single submitter. Criteria: Invitae Variant Classification Sherloc (09022015). Collection method: clinical testing. Allele origin: germline.
Comment: This sequence change replaces lysine, which is basic and polar, with threonine, which is neutral and polar, at codon 685 of the BRD4 protein (p.Lys685Thr). This variant is present in population databases (rs202067047, gnomAD 0.0009%). This variant has not been reported in the literature in individuals affected with BRD4-related conditions. Advanced modeling of protein sequence and biophysical properties (such as structural, functional, and spatial information, amino acid conservation, physicochemical variation, residue mobility, and thermodynamic stability) performed at Invitae indicates that this missense variant is not expected to disrupt BRD4 protein function with a negative predictive value of 80%. In summary, the available evidence is currently insufficient to determine the role of this variant in disease. Therefore, it has been classified as a Variant of Uncertain Significance.

NM_001379291.1(BRD4):c.2054A>C (p.Lys685Thr)

Gene: BRD4 (bromodomain containing 4; minus strand). Cytogenetic location: 19p13.12.
Variant type: single nucleotide variant.
Coding change: c.2054A>C on transcript NM_001379291.1 (MANE Select); coding-DNA position 2054, A replaced by C.
Protein change: p.Lys685Thr; replaces lysine 685 with threonine.
Molecular consequence: missense variant.
Genome position (GRCh38, 1-based): chr19:15,254,256, T>G on the plus strand (A>C on the coding strand, the complement: BRD4 is on the minus strand). VCF-style: chr19-15254256-T-G. GRCh37 (hg19) VCF-style: chr19-15365067-T-G.
Other names: c.2054A>C, p.Lys685Thr (NM_001330384.2, NM_001379292.1, NM_014299.3 and 1 more transcripts); c.2054A>C (NM_058243.2); short protein forms K685T.
Identifiers: ClinVar variation 2713930 (VCV002713930.4), dbSNP rs202067047, ClinGen allele CA305799532.
Genomic context (GRCh38, chr19:15,254,256, plus strand): 5'-CTCTCCGACTCTGAGGACGAGAAGCCCTTCATCTTGGAGGAGCCGGCAATCACATCAACT[T>G]TCTCAGCTGCAATCCAAGCAATGGGAGCTGGTCAGGCAGGGCTGTGGCCCAGGAAGCCGC-3'
Protein context (NP_001366220.1, residues 675-695): LRKKRKPQAE[Lys685Thr]VDVIAGSSKM